The following is an entry in ClinVar:

ClinVar aggregate classification (germline): Uncertain significance. Review status: criteria provided, multiple submitters, no conflicts (2 of 4 stars). 5 submissions from 5 submitters: Uncertain significance (3). 2 of the submissions do not count toward it. Last evaluated 2026-06-17.

Conditions:
Charcot-Marie-Tooth disease. Also called: Charcot-Marie-Tooth Neuropathy; Charcot-Marie-Tooth Hereditary Neuropathy. Identifiers: Orphanet 166, MedGen C0007959, MONDO:0015626.
DCTN1-related disorder. Also called: DCTN1-related condition.
Perry syndrome. Also called: PARKINSONISM WITH ALVEOLAR HYPOVENTILATION AND MENTAL DEPRESSION. Identifiers: Orphanet 178509, MedGen C1868594, MONDO:0008201, OMIM 168605.
Neuronopathy, distal hereditary motor, type 7B. Also called: NEURONOPATHY, DISTAL HEREDITARY MOTOR, AUTOSOMAL DOMINANT 14; NEURONOPATHY, DISTAL HEREDITARY MOTOR, HARDING TYPE VIIB; NEUROPATHY, DISTAL HEREDITARY MOTOR, HARDING TYPE VIIB; NEUROPATHY, DISTAL HEREDITARY MOTOR, WITH VOCAL CORD PARALYSIS, HARDING TYPE VIIB; HMN VIIB; LOWER MOTOR NEURON DISEASE, DYNACTIN TYPE. Identifiers: Orphanet 139589, MedGen C1843315, MONDO:0011879, OMIM 607641.
Amyotrophic lateral sclerosis type 1 (ALS1). Also called: AMYOTROPHIC LATERAL SCLEROSIS 1, FAMILIAL. Identifiers: Orphanet 803, MedGen C1862939, MONDO:0007103, OMIM 105400.

Allele frequency attached by ClinVar (database versions not stated): gnomAD exomes below 0.00001; TOPMed below 0.00001.
gnomAD v4.1: 3 of 1,613,942 alleles (0.00019%); highest among the groups gnomAD compares: Non-Finnish European, 0.00025%; no homozygotes.

Submissions (5):

GeneDx
Classification: Uncertain significance. Last evaluated: 2026-06-17. Review status: criteria provided, single submitter. Criteria: GeneDx Variant Classification Process June 2021. Collection method: clinical testing. Allele origin: germline.
Comment: Not observed at significant frequency in large population cohorts (gnomAD); In silico analysis suggests that this missense variant does not alter protein structure/function; This variant is associated with the following publications: (PMID: 33210134, 24604904)

Labcorp Genetics (formerly Invitae), Labcorp
Classification: Uncertain significance for Amyotrophic lateral sclerosis type 1; Neuronopathy, distal hereditary motor, type 7B; Perry syndrome. Last evaluated: 2025-05-07. Review status: criteria provided, single submitter. Criteria: Invitae Variant Classification Sherloc (09022015). Collection method: clinical testing. Allele origin: germline.
Comment: This sequence change replaces aspartic acid, which is acidic and polar, with histidine, which is basic and polar, at codon 424 of the DCTN1 protein (p.Asp424His). This variant is not present in population databases (gnomAD no frequency). This missense change has been observed in individual(s) with clinical features of DCTN1-related conditions (PMID: 24604904). ClinVar contains an entry for this variant (Variation ID: 637069). Invitae Evidence Modeling of protein sequence and biophysical properties (such as structural, functional, and spatial information, amino acid conservation, physicochemical variation, residue mobility, and thermodynamic stability) indicates that this missense variant is not expected to disrupt DCTN1 protein function with a negative predictive value of 95%. In summary, the available evidence is currently insufficient to determine the role of this variant in disease. Therefore, it has been classified as a Variant of Uncertain Significance.

PreventionGenetics, part of Exact Sciences
Classification: Uncertain significance for DCTN1-related condition. Last evaluated: 2024-10-29. Review status: criteria provided, single submitter. Criteria: ACMG Guidelines, 2015. Collection method: clinical testing. Allele origin: germline.
Comment: The DCTN1 c.1270G>C variant is predicted to result in the amino acid substitution p.Asp424His. This variant has been reported in an individual with hereditary sensory and autonomic neuropathy, type 1 (Klein et al. 2014. PubMed ID: 24604904). This variant has not been reported in a large population database (gnomAD), indicating this variant is rare. At this time, the clinical significance of this variant is uncertain due to the absence of conclusive functional and genetic evidence.

Inherited Neuropathy Consortium Ii, University Of Miami
Classification: Uncertain significance for Perry syndrome. Last evaluated: 2016-01-06. Review status: no assertion criteria provided. Collection method: literature only. Allele origin: germline. Affected: yes. Not counted in ClinVar's aggregate classification.

Inherited Neuropathy Consortium
Classification: Uncertain significance for Charcot-Marie-Tooth disease. Review status: no assertion criteria provided. Collection method: literature only. Allele origin: germline. Affected: yes. Not counted in ClinVar's aggregate classification.

Literature cited by the submitters: PubMed 24604904 (cited by 3 submitters).

NM_004082.5(DCTN1):c.1270G>C (p.Asp424His)

Gene: DCTN1 (dynactin subunit 1; minus strand). Cytogenetic location: 2p13.1.
Variant type: single nucleotide variant.
Coding change: c.1270G>C on transcript NM_004082.5 (MANE Select); coding-DNA position 1270, G replaced by C.
Protein change: p.Asp424His; replaces aspartic acid 424 with histidine.
Molecular consequence: missense variant. On other transcripts: non-coding transcript variant (1).
Genome position (GRCh38, 1-based): chr2:74,370,203, C>G on the plus strand (G>C on the coding strand, the complement: DCTN1 is on the minus strand). VCF-style: chr2-74370203-C-G. GRCh37 (hg19) VCF-style: chr2-74597330-C-G.
Other names: c.1210G>C, p.Asp404His (NM_001135040.3); c.868G>C, p.Asp290His (NM_001135041.3, NM_023019.4); c.1159G>C, p.Asp387His (NM_001190836.2); c.1249G>C, p.Asp417His (NM_001190837.2); c.1219G>C, p.Asp407His (NM_001378991.1); c.1201G>C, p.Asp401His (NM_001378992.1); short protein forms D387H, D424H, D290H, D404H, D417H, D401H, D407H.
Identifiers: ClinVar variation 637069 (VCV000637069.6), dbSNP rs1553465143, ClinGen allele CA347360570.